The following is an entry in ClinVar:

ClinVar aggregate classification (germline): Conflicting classifications of pathogenicity. Review status: criteria provided, conflicting classifications (1 of 4 stars). 4 submissions from 4 submitters: Likely pathogenic (3); Uncertain significance (1). Last evaluated 2024-01-06.

Conditions:
Brain small vessel disease 1 with or without ocular anomalies (BSVD1). Also called: BRAIN SMALL VESSEL DISEASE WITH HEMORRHAGE; Brain small vessel disease with or without ocular anomalies; PORENCEPHALY, TYPE 1, AUTOSOMAL DOMINANT; GOULD SYNDROME 1. Identifiers: Orphanet 2940, Orphanet 36383, Orphanet 99810, MedGen C4755307, MONDO:0008289, OMIM 175780.
Autosomal dominant familial hematuria-retinal arteriolar tortuosity-contractures syndrome. Also called: Angiopathy, hereditary, with nephropathy, aneurysms, and muscle cramps; Hereditary Angiopathy with Nephropathy, Aneurysms, and Muscle Cramps (HANAC) Syndrome. Identifiers: Orphanet 73229, MedGen C2673195, MONDO:0012726, OMIM 611773.
Hemorrhage, intracerebral, susceptibility to (ICH). Also called: Stroke, hemorrhagic, susceptibility to. Identifiers: MedGen C3281105, MONDO:0100533, OMIM 614519.
Microangiopathy and leukoencephalopathy, pontine, autosomal dominant. Also called: DEMENTIA, HEREDITARY MULTI-INFARCT, SWEDISH TYPE; Pontine autosomal dominant microangiopathy with leukoencephalopathy. Identifiers: Orphanet 477749, MedGen C5231411, MONDO:0032814, OMIM 618564.
Retinal arterial tortuosity. Also called: RETINAL HEMORRHAGE WITH VASCULAR TORTUOSITY; Retinal arteries, tortuosity of. Identifiers: Orphanet 75326, MedGen C0423401, MONDO:0008373, OMIM 180000, HP:0000631.

Submissions (4):

Fulgent Genetics
Classification: Likely pathogenic for Brain small vessel disease 1 with or without ocular anomalies; Retinal arterial tortuosity; Autosomal dominant familial hematuria-retinal arteriolar tortuosity-contractures syndrome; Hemorrhage, intracerebral, susceptibility to; Microangiopathy and leukoencephalopathy, pontine, autosomal dominant. Last evaluated: 2024-01-06. Review status: criteria provided, single submitter. Criteria: ACMG Guidelines, 2015. Collection method: clinical testing. Allele origin: germline.

Department of Pathology and Laboratory Medicine, Sinai Health System
Classification: Uncertain significance for brain small vessel disease 1 with or without ocular anomalies. Last evaluated: 2022-05-05. Review status: criteria provided, single submitter. Criteria: ACMG Guidelines, 2015. Collection method: research. Allele origin: germline.

Labcorp Genetics (formerly Invitae), Labcorp
Classification: Likely pathogenic. Last evaluated: 2021-05-05. Review status: criteria provided, single submitter. Criteria: Invitae Variant Classification Sherloc (09022015). Collection method: clinical testing. Allele origin: germline.
Comment: Algorithms developed to predict the effect of sequence changes on RNA splicing suggest that this variant may create or strengthen a splice site, but this prediction has not been confirmed by published transcriptional studies. Algorithms developed to predict the effect of missense changes on protein structure and function (SIFT, PolyPhen-2, Align-GVGD) all suggest that this variant is likely to be disruptive, but these predictions have not been confirmed by published functional studies and their clinical significance is uncertain. This variant disrupts the triple helix domain of COL4A1. Glycine residues within the Gly-Xaa-Yaa repeats of the triple helix domain are required for the structure and stability of fibrillar collagens (PMID: 7695699, 8218237, 19344236). In COL4A1 variants affecting these glycine residues are significantly enriched in individuals with disease (PMID: 9016532, 17078022) compared to the general population (ExAC). This variant has not been reported in the literature in individuals with COL4A1-related conditions. ClinVar contains an entry for this variant (Variation ID: 627579). This variant is not present in population databases (ExAC no frequency). This sequence change replaces glycine with arginine at codon 480 of the COL4A1 protein (p.Gly480Arg). The glycine residue is highly conserved and there is a moderate physicochemical difference between glycine and arginine. In summary, the currently available evidence indicates that the variant is pathogenic, but additional data are needed to prove that conclusively. Therefore, this variant has been classified as Likely Pathogenic.

Center of Genomic medicine, Geneva, University Hospital of Geneva
Classification: Likely pathogenic for Autosomal dominant familial hematuria-retinal arteriolar tortuosity-contractures syndrome. Last evaluated: 2018-07-04. Review status: criteria provided, single submitter. Criteria: ACMG Guidelines, 2015. Collection method: clinical testing. Allele origin: germline. Affected: yes.

Literature cited by the submitters: PubMed 7695699 (cited by Labcorp Genetics (formerly Invitae), Labcorp); PubMed 8218237 (cited by Labcorp Genetics (formerly Invitae), Labcorp); PubMed 19344236 (cited by Labcorp Genetics (formerly Invitae), Labcorp); PubMed 9016532 (cited by Labcorp Genetics (formerly Invitae), Labcorp); PubMed 17078022 (cited by Labcorp Genetics (formerly Invitae), Labcorp).

NM_001845.6(COL4A1):c.1438G>A (p.Gly480Arg)

Gene: COL4A1 (collagen type IV alpha 1 chain; minus strand). Cytogenetic location: 13q34.
Variant type: single nucleotide variant.
Coding change: c.1438G>A on transcript NM_001845.6 (MANE Select); coding-DNA position 1438, G replaced by A.
Protein change: p.Gly480Arg; replaces glycine 480 with arginine.
Molecular consequence: missense variant.
Genome position (GRCh38, 1-based): chr13:110,192,857, C>T on the plus strand (G>A on the coding strand, the complement: COL4A1 is on the minus strand). VCF-style: chr13-110192857-C-T. GRCh37 (hg19) VCF-style: chr13-110845204-C-T.
Other names: c.1438G>A, p.Gly480Arg (NM_001303110.2); short protein forms G480R.
Identifiers: ClinVar variation 627579 (VCV000627579.11), dbSNP rs1461754052, ClinGen allele CA388723524.
Genomic context (GRCh38, chr13:110,192,857, plus strand): 5'-TCTGACCTGGTCCTTTTCACATGTGGGTCTTACCTATTTCTCCCGGGGGTCCCTGTGGCC[C>T]GGGAGGCCCCCGATATCCGTCTATATCACAGATGAGGCAACTCTCTCCTTTTTGACCTAA-3'
Protein context (NP_001836.3, residues 470-490): CDIDGYRGPP[Gly480Arg]PQGPPGEIGF